The following is an entry in ClinVar:

NM_001386795.1(DTNA):c.1493A>G (p.Gln498Arg)

Gene: DTNA (dystrobrevin alpha; plus strand). Cytogenetic location: 18q12.1.
Variant type: single nucleotide variant.
Coding change: c.1493A>G on transcript NM_001386795.1 (MANE Select); coding-DNA position 1493, A replaced by G.
Protein change: p.Gln498Arg; replaces glutamine 498 with arginine.
Molecular consequence: missense variant.
Genome position (GRCh38, 1-based): chr18:34,851,889, A>G. VCF-style: chr18-34851889-A-G. GRCh37 (hg19) VCF-style: chr18-32431853-A-G.
Other names: c.482A>G, p.Gln161Arg (NM_001198943.1); c.368A>G, p.Gln123Arg (NM_001198944.1); c.662A>G, p.Gln221Arg (NM_001198945.2); c.1232A>G, p.Gln411Arg (NM_001386753.1, NM_001386763.1, NM_001386764.1 and 9 more transcripts); c.1322A>G, p.Gln441Arg (NM_001386754.1, NM_001386755.1, NM_001386756.1 and 4 more transcripts); c.1319A>G, p.Gln440Arg (NM_001386760.1); c.1241A>G, p.Gln414Arg (NM_001386761.1, NM_032975.4, NM_032979.5); c.1238A>G, p.Gln413Arg (NM_001386762.1); and 7 more; short protein forms Q119R, Q123R, Q161R, Q410R, Q413R, Q414R, Q440R, Q411R.
Identifiers: ClinVar variation 4705349 (VCV004705349.1).

ClinVar aggregate classification (germline): Uncertain significance (1 of 4 stars; one submission).

Conditions:
Left ventricular noncompaction 1 (LVNC1). Also called: LEFT VENTRICULAR NONCOMPACTION 1 WITH OR WITHOUT CONGENITAL HEART DEFECTS. Identifiers: Orphanet 54260, MedGen C1858725, MONDO:0011403, OMIM 604169.

gnomAD v4.1: 1 of 1,614,092 alleles (0.000062%); highest among the groups gnomAD compares: Non-Finnish European, 0.000085%; no homozygotes.

Submission:

Labcorp Genetics (formerly Invitae), Labcorp
Classification: Uncertain significance for Left ventricular noncompaction 1. Last evaluated: 2025-05-29. Review status: criteria provided, single submitter. Criteria: Invitae Variant Classification Sherloc (09022015). Collection method: clinical testing. Allele origin: germline.
Comment: This sequence change replaces glutamine, which is neutral and polar, with arginine, which is basic and polar, at codon 471 of the DTNA protein (p.Gln471Arg). This variant is not present in population databases (gnomAD no frequency). This variant has not been reported in the literature in individuals affected with DTNA-related conditions. An algorithm developed to predict the effect of missense changes on protein structure and function (PolyPhen-2) suggests that this variant is likely to be disruptive. In summary, the available evidence is currently insufficient to determine the role of this variant in disease. Therefore, it has been classified as a Variant of Uncertain Significance.